The following is an entry in ClinVar:

ClinVar aggregate classification (germline): Uncertain significance (1 of 4 stars; one submission).

Submission:

Labcorp Genetics (formerly Invitae), Labcorp
Classification: Uncertain significance. Last evaluated: 2024-03-19. Review status: criteria provided, single submitter. Criteria: Invitae Variant Classification Sherloc (09022015). Collection method: clinical testing. Allele origin: germline.
Comment: This sequence change replaces serine, which is neutral and polar, with leucine, which is neutral and non-polar, at codon 778 of the MYLK3 protein (p.Ser778Leu). This variant is not present in population databases (gnomAD no frequency). This variant has not been reported in the literature in individuals affected with MYLK3-related conditions. Algorithms developed to predict the effect of missense changes on protein structure and function output the following: SIFT: "Not Available"; PolyPhen-2: "Benign"; Align-GVGD: "Not Available". The leucine amino acid residue is found in multiple mammalian species, which suggests that this missense change does not adversely affect protein function. In summary, the available evidence is currently insufficient to determine the role of this variant in disease. Therefore, it has been classified as a Variant of Uncertain Significance.

NM_182493.3(MYLK3):c.2333C>T (p.Ser778Leu)

Gene: MYLK3 (myosin light chain kinase 3; minus strand). Cytogenetic location: 16q11.2.
Variant type: single nucleotide variant.
Coding change: c.2333C>T on transcript NM_182493.3 (MANE Select); coding-DNA position 2333, C replaced by T.
Protein change: p.Ser778Leu; replaces serine 778 with leucine.
Molecular consequence: missense variant.
Genome position (GRCh38, 1-based): chr16:46,709,606, G>A on the plus strand (C>T on the coding strand, the complement: MYLK3 is on the minus strand). VCF-style: chr16-46709606-G-A. GRCh37 (hg19) VCF-style: chr16-46743518-G-A.
Other names: c.1310C>T, p.Ser437Leu (NM_001308301.1); short protein forms S778L, S437L.
Identifiers: ClinVar variation 3718160 (VCV003718160.2).